The following is an entry in ClinVar:

ClinVar aggregate classification (germline): Benign (1 of 4 stars; one submission).

Conditions:
Monilethrix. Also called: Beaded hair. Identifiers: Orphanet 573, MedGen C0546966, MONDO:0008009, HP:0032470.

Allele frequency attached by ClinVar (database versions not stated): TOPMed 0.00010; ESP Exome Variant Server 0.00023.
gnomAD v4.1: 199 of 1,613,696 alleles (0.012%); highest among the groups gnomAD compares: Non-Finnish European, 0.016%; no homozygotes.

Submission:

Illumina Laboratory Services, Illumina
Classification: Benign for MONILETHRIX 1. Last evaluated: 2018-01-12. Review status: criteria provided, single submitter. Criteria: ICSL Variant Classification Criteria 13 December 2019. Collection method: clinical testing. Allele origin: germline.
Comment: This variant was observed in the ICSL laboratory as part of a predisposition screen in an ostensibly healthy population. It had not been previously curated by ICSL or reported in the Human Gene Mutation Database (HGMD: prior to June 1st, 2018), and was therefore a candidate for classification through an automated scoring system. Utilizing variant allele frequency, disease prevalence and penetrance estimates, and inheritance mode, an automated score was calculated to assess if this variant is too frequent to cause the disease. Based on the score and internal cut-off values, a variant classified as benign is not then subjected to further curation. The score for this variant resulted in a classification of benign for this disease.

NM_002282.3(KRT83):c.520G>C (p.Val174Leu)

Gene: KRT83 (keratin 83; minus strand). Cytogenetic location: 12q13.13.
Variant type: single nucleotide variant.
Coding change: c.520G>C on transcript NM_002282.3 (MANE Select); coding-DNA position 520, G replaced by C.
Protein change: p.Val174Leu; replaces valine 174 with leucine.
Molecular consequence: missense variant.
Genome position (GRCh38, 1-based): chr12:52,319,229, C>G on the plus strand (G>C on the coding strand, the complement: KRT83 is on the minus strand). VCF-style: chr12-52319229-C-G. GRCh37 (hg19) VCF-style: chr12-52713013-C-G.
Other names: short protein forms V174L.
Identifiers: ClinVar variation 883255 (VCV000883255.4), dbSNP rs181439241, ClinGen allele CA6577647.